The following is an entry in ClinVar:

ClinVar aggregate classification (germline): Likely benign (1 of 4 stars; one submission).

Conditions:
Familial isolated arrhythmogenic right ventricular dysplasia. Identifiers: Orphanet 217656, MedGen C4274968, MONDO:0016342.

Submission:

All of Us Research Program, National Institutes of Health
Classification: Likely benign for Familial isolated arrhythmogenic right ventricular dysplasia. Last evaluated: 2024-04-16. Review status: criteria provided, single submitter. Criteria: ACMG Guidelines, 2015. Collection method: clinical testing. Allele origin: germline. Inheritance: Autosomal dominant inheritance. Observed: 1 variant allele, 1 heterozygote.
Comment: This study involves interpretation of variants in research participants for the purpose of population health screening. Participant phenotype was not available at the time of variant classification. Additional details can be found in publication PMID: 35346344, PMCID: PMC8962531

NM_024422.6(DSC2):c.2251-5T>C

Gene: DSC2 (desmocollin 2; minus strand). Cytogenetic location: 18q12.1.
Variant type: single nucleotide variant.
Coding change: c.2251-5T>C on transcript NM_024422.6 (MANE Select); 5 bases into the intron before coding-DNA position 2251, T replaced by C.
Molecular consequence: intron variant.
Genome position (GRCh38, 1-based): chr18:31,069,156, A>G on the plus strand (T>C on the coding strand, the complement: DSC2 is on the minus strand). VCF-style: chr18-31069156-A-G. GRCh37 (hg19) VCF-style: chr18-28649122-A-G.
Other names: c.2251-5T>C (NM_004949.5); c.1822-5T>C (NM_001406506.1, NM_001406507.1).
Identifiers: ClinVar variation 3386511 (VCV003386511.1).